The following is an entry in ClinVar:

ClinVar aggregate classification (germline): Likely pathogenic (1 of 4 stars; one submission).

Conditions:
Very long chain acyl-CoA dehydrogenase deficiency (ACADVLD). Also called: VLCAD Deficiency; Very Long-Chain Acyl-Coenzyme A Dehydrogenase Deficiency. Identifiers: Orphanet 26793, MedGen C3887523, MONDO:0008723, OMIM 201475.

Allele frequency attached by ClinVar (database versions not stated): gnomAD exomes below 0.00001.

Submission:

Labcorp Genetics (formerly Invitae), Labcorp
Classification: Likely pathogenic for Very long chain acyl-CoA dehydrogenase deficiency. Last evaluated: 2021-12-24. Review status: criteria provided, single submitter. Criteria: Invitae Variant Classification Sherloc (09022015). Collection method: clinical testing. Allele origin: germline.
Comment: Algorithms developed to predict the effect of sequence changes on RNA splicing suggest that this variant may disrupt the consensus splice site. In summary, the currently available evidence indicates that the variant is pathogenic, but additional data are needed to prove that conclusively. Therefore, this variant has been classified as Likely Pathogenic. ClinVar contains an entry for this variant (Variation ID: 1067393). This variant has not been reported in the literature in individuals affected with ACADVL-related conditions. This variant is not present in population databases (gnomAD no frequency). This sequence change affects an acceptor splice site in intron 10 of the ACADVL gene. It is expected to disrupt RNA splicing. Variants that disrupt the donor or acceptor splice site typically lead to a loss of protein function (PMID: 16199547), and loss-of-function variants in ACADVL are known to be pathogenic (PMID: 9973285, 11590124).

Literature cited by the submitters: PubMed 16199547; PubMed 9973285; PubMed 11590124.

NM_000018.4(ACADVL):c.1078-2A>G

Gene: ACADVL (acyl-CoA dehydrogenase very long chain; plus strand). Cytogenetic location: 17p13.1.
Variant type: single nucleotide variant.
Coding change: c.1078-2A>G on transcript NM_000018.4 (MANE Select); the canonical splice acceptor site of the intron before coding-DNA position 1078, A replaced by G.
Molecular consequence: splice acceptor variant.
Genome position (GRCh38, 1-based): chr17:7,223,131, A>G. VCF-style: chr17-7223131-A-G. GRCh37 (hg19) VCF-style: chr17-7126450-A-G.
Other names: c.1147-2A>G (NM_001270447.2); c.850-2A>G (NM_001270448.2); c.1012-2A>G (NM_001033859.3).
Identifiers: ClinVar variation 1067393 (VCV001067393.9), dbSNP rs2142981920, ClinGen allele CA397724303.